The following is an entry in ClinVar:

ClinVar aggregate classification (germline): Likely benign (1 of 4 stars; one submission).

gnomAD v4.1: 8 of 1,612,770 alleles (0.0005%); highest among the groups gnomAD compares: South Asian, 0.0044%; no homozygotes.

Submission:

CeGaT Center for Human Genetics Tuebingen
Classification: Likely benign. Last evaluated: 2026-04-01. Review status: criteria provided, single submitter. Criteria: CeGaT Center For Human Genetics Tuebingen Variant Classification Criteria Version 2. Collection method: clinical testing. Allele origin: germline. Affected: yes. Observed: 1 variant allele.
Comment: VPS13C: BP4, BP7

NM_020821.3(VPS13C):c.2580A>G (p.Leu860=)

Gene: VPS13C (vacuolar protein sorting 13 homolog C; minus strand). Cytogenetic location: 15q22.2.
Variant type: single nucleotide variant.
Coding change: c.2580A>G on transcript NM_020821.3 (MANE Select); coding-DNA position 2580, A replaced by G.
Protein change: p.Leu860=; no amino-acid change (leucine 860 retained).
Molecular consequence: synonymous variant.
Genome position (GRCh38, 1-based): chr15:61,973,491, T>C on the plus strand (A>G on the coding strand, the complement: VPS13C is on the minus strand). VCF-style: chr15-61973491-T-C. GRCh37 (hg19) VCF-style: chr15-62265690-T-C.
Other names: c.2580A>G, p.Leu860= (NM_001018088.3); c.2451A>G, p.Leu817= (NM_017684.5, NM_018080.4).
Identifiers: ClinVar variation 4873571 (VCV004873571.2).